The following is an entry in ClinVar:

NM_003850.3(SUCLA2):c.217A>G (p.Lys73Glu)

Gene: SUCLA2 (succinate-CoA ligase ADP-forming subunit beta; minus strand). Cytogenetic location: 13q14.2.
Variant type: single nucleotide variant.
Coding change: c.217A>G on transcript NM_003850.3 (MANE Select); coding-DNA position 217, A replaced by G.
Protein change: p.Lys73Glu; replaces lysine 73 with glutamic acid.
Molecular consequence: missense variant.
Genome position (GRCh38, 1-based): chr13:47,996,897, T>C on the plus strand (A>G on the coding strand, the complement: SUCLA2 is on the minus strand). VCF-style: chr13-47996897-T-C. GRCh37 (hg19) VCF-style: chr13-48571032-T-C.
Other names: short protein forms K73E.
Identifiers: ClinVar variation 2157121 (VCV002157121.1), dbSNP rs796052048, ClinGen allele CA313038.

ClinVar aggregate classification (germline): Uncertain significance (1 of 4 stars; one submission).

Conditions:
Mitochondrial DNA depletion syndrome, encephalomyopathic form with methylmalonic aciduria (MTDPS5). Also called: Mitochondrial encephalomyopathy aminoacidopathy; SUCLA2-Related Mitochondrial DNA Depletion Syndrome, Encephalomyopathic Form with Methylmalonic Aciduria; MITOCHONDRIAL DNA DEPLETION SYNDROME, ENCEPHALOMYOPATHIC FORM, WITH OR WITHOUT METHYLMALONIC ACIDURIA, AUTOSOMAL RECESSIVE, SUCLA2-RELATED; Mitochondrial DNA depletion syndrome 5 (encephalomyopathic with or without methylmalonic aciduria). Identifiers: Orphanet 1933, MedGen C5980207, MONDO:0012791, OMIM 612073.

Allele frequency attached by ClinVar (database versions not stated): gnomAD 0.00001; gnomAD exomes 0.00003.
gnomAD v4.1: 43 of 1,613,892 alleles (0.0027%); highest among the groups gnomAD compares: Non-Finnish European, 0.0036%; no homozygotes.

Submission:

Labcorp Genetics (formerly Invitae), Labcorp
Classification: Uncertain significance for Mitochondrial DNA depletion syndrome, encephalomyopathic form with methylmalonic aciduria. Last evaluated: 2022-02-24. Review status: criteria provided, single submitter. Criteria: Invitae Variant Classification Sherloc (09022015). Collection method: clinical testing. Allele origin: germline.
Comment: This sequence change replaces lysine, which is basic and polar, with glutamic acid, which is acidic and polar, at codon 73 of the SUCLA2 protein (p.Lys73Glu). This variant is present in population databases (rs796052048, gnomAD 0.007%). This variant has not been reported in the literature in individuals affected with SUCLA2-related conditions. Algorithms developed to predict the effect of missense changes on protein structure and function (SIFT, PolyPhen-2, Align-GVGD) all suggest that this variant is likely to be tolerated. In summary, the available evidence is currently insufficient to determine the role of this variant in disease. Therefore, it has been classified as a Variant of Uncertain Significance.